The following is an entry in ClinVar:

NM_001366145.2(TRPM3):c.1871C>T (p.Thr624Ile)

Gene: TRPM3 (transient receptor potential cation channel subfamily M member 3; minus strand). Cytogenetic location: 9q21.12.
Variant type: single nucleotide variant.
Coding change: c.1871C>T on transcript NM_001366145.2 (MANE Select); coding-DNA position 1871, C replaced by T.
Protein change: p.Thr624Ile; replaces threonine 624 with isoleucine.
Molecular consequence: missense variant.
Genome position (GRCh38, 1-based): chr9:70,620,334, G>A on the plus strand (C>T on the coding strand, the complement: TRPM3 is on the minus strand). VCF-style: chr9-70620334-G-A. GRCh37 (hg19) VCF-style: chr9-73235250-G-A.
Other names: c.1946C>T, p.Thr649Ile (NM_001366152.2, NM_001366147.2); c.1412C>T, p.Thr471Ile (NM_001366154.2, NM_024971.7); c.1376C>T, p.Thr459Ile (NM_020952.6); c.1346C>T, p.Thr449Ile (NM_206944.5); c.1382C>T, p.Thr461Ile (NM_206945.5); c.1451C>T, p.Thr484Ile (NM_206946.5); c.1421C>T, p.Thr474Ile (NM_206947.5); c.1835C>T, p.Thr612Ile (NM_001007471.4, NM_001366151.2); and 5 more; short protein forms T471I, T612I, T649I, T459I, T474I, T602I, T624I, T639I.
Identifiers: ClinVar variation 3781216 (VCV003781216.2).

ClinVar aggregate classification (germline): Uncertain significance (1 of 4 stars; one submission).

Submission:

GeneDx
Classification: Uncertain significance. Last evaluated: 2026-08-26. Review status: criteria provided, single submitter. Criteria: GeneDx Variant Classification Process June 2021. Collection method: clinical testing. Allele origin: germline.
Comment: Has not been previously published as pathogenic or benign to our knowledge; Not observed at significant frequency in large population cohorts (gnomAD); In silico analysis supports that this missense variant has a deleterious effect on protein structure/function